The following is an entry in ClinVar:

ClinVar aggregate classification (germline): Uncertain significance (1 of 4 stars; one submission).

Submission:

Labcorp Genetics (formerly Invitae), Labcorp
Classification: Uncertain significance. Last evaluated: 2022-06-22. Review status: criteria provided, single submitter. Criteria: Invitae Variant Classification Sherloc (09022015). Collection method: clinical testing. Allele origin: germline.
Comment: This sequence change replaces aspartic acid, which is acidic and polar, with glutamic acid, which is acidic and polar, at codon 713 of the CACNA2D4 protein (p.Asp713Glu). Algorithms developed to predict the effect of missense changes on protein structure and function output the following: SIFT: "Tolerated"; PolyPhen-2: "Benign"; Align-GVGD: "Class C0". The glutamic acid amino acid residue is found in multiple mammalian species, which suggests that this missense change does not adversely affect protein function. This variant is not present in population databases (gnomAD no frequency). This variant has not been reported in the literature in individuals affected with CACNA2D4-related conditions. In summary, the available evidence is currently insufficient to determine the role of this variant in disease. Therefore, it has been classified as a Variant of Uncertain Significance.

NM_172364.5(CACNA2D4):c.2139C>A (p.Asp713Glu)

Gene: CACNA2D4 (calcium voltage-gated channel auxiliary subunit alpha2delta 4; minus strand). Cytogenetic location: 12p13.33.
Variant type: single nucleotide variant.
Coding change: c.2139C>A on transcript NM_172364.5 (MANE Select); coding-DNA position 2139, C replaced by A.
Protein change: p.Asp713Glu; replaces aspartic acid 713 with glutamic acid.
Molecular consequence: missense variant.
Genome position (GRCh38, 1-based): chr12:1,856,025, G>T on the plus strand (C>A on the coding strand, the complement: CACNA2D4 is on the minus strand). VCF-style: chr12-1856025-G-T. GRCh37 (hg19) VCF-style: chr12-1965191-G-T.
Other names: short protein forms D713E.
Identifiers: ClinVar variation 2009144 (VCV002009144.4), dbSNP rs1865390771, ClinGen allele CA383349022.